The following is an entry in ClinVar:

ClinVar aggregate classification (germline): Likely benign. Review status: criteria provided, multiple submitters, no conflicts (2 of 4 stars). 2 submissions from 2 submitters: Likely benign (2). Last evaluated 2026-05-01.

Conditions:
Inborn genetic diseases. Identifiers: MedGen C0950123, MeSH D030342.

gnomAD v4.1: 16 of 1,525,650 alleles (0.001%); highest among the groups gnomAD compares: Admixed American, 0.037%; no homozygotes.

Submissions (2):

CeGaT Center for Human Genetics Tuebingen
Classification: Likely benign. Last evaluated: 2026-05-01. Review status: criteria provided, single submitter. Criteria: CeGaT Center For Human Genetics Tuebingen Variant Classification Criteria Version 2. Collection method: clinical testing. Allele origin: germline. Affected: yes. Observed: 2 variant alleles.
Comment: BCAS3: BP4, BP7

Ambry Genetics
Classification: Likely benign for Inborn genetic diseases. Last evaluated: 2024-10-01. Review status: criteria provided, single submitter. Criteria: Ambry Variant Classification Scheme 2023. Collection method: clinical testing. Allele origin: germline.

NM_017679.5(BCAS3):c.477C>T (p.Gly159=)

Gene: BCAS3 (BCAS3 microtubule associated cell migration factor; plus strand). Cytogenetic location: 17q23.2.
Variant type: single nucleotide variant.
Coding change: c.477C>T on transcript NM_017679.5 (MANE Select); coding-DNA position 477, C replaced by T.
Protein change: p.Gly159=; no amino-acid change (glycine 159 retained).
Molecular consequence: synonymous variant.
Genome position (GRCh38, 1-based): chr17:60,868,576, C>T. VCF-style: chr17-60868576-C-T. GRCh37 (hg19) VCF-style: chr17-58945937-C-T.
Other names: c.477C>T, p.Gly159= (NM_001099432.3, NM_001320470.3, NM_001330413.2 and 4 more transcripts).
Identifiers: ClinVar variation 3480033 (VCV003480033.3).